The following is an entry in ClinVar:

ClinVar aggregate classification (germline): Pathogenic/Likely pathogenic. Review status: no assertion criteria provided (0 of 4 stars). 2 submissions from 2 submitters: Pathogenic (1); Likely pathogenic (1). Last evaluated 2024-05-14.

Conditions:
DNAI2-related disorder. Also called: DNAI2-related condition.
Primary ciliary dyskinesia 9. Also called: CILIARY DYSKINESIA, PRIMARY, 9, WITH OR WITHOUT SITUS INVERSUS. Identifiers: Orphanet 244, MedGen C2676235, MONDO:0012906, OMIM 612444.

Allele frequency attached by ClinVar (database versions not stated): gnomAD exomes below 0.00001; gnomAD 0.00001.

Submissions (2):

Clinical Genetics Laboratory, University Hospital Schleswig-Holstein
Classification: Pathogenic for Primary ciliary dyskinesia 9. Last evaluated: 2024-05-14. Review status: no assertion criteria provided. Collection method: clinical testing. Allele origin: biparental. Affected: yes.

PreventionGenetics, part of Exact Sciences
Classification: Likely pathogenic for DNAI2-related condition. Last evaluated: 2023-11-22. Review status: no assertion criteria provided. Collection method: clinical testing. Allele origin: germline.
Comment: The DNAI2 c.314_318del5 variant is predicted to result in a frameshift and premature protein termination (p.Asn105Serfs*2). To our knowledge, this variant has not been reported in the literature. This variant is reported in 0.0033% of alleles in individuals of South Asian descent in gnomAD. Frameshift variants in DNAI2 are expected to be pathogenic. This variant is interpreted as likely pathogenic.

NM_023036.6(DNAI2):c.314_318del (p.Asn105fs)

Gene: DNAI2 (dynein axonemal intermediate chain 2; plus strand). Cytogenetic location: 17q25.1.
Variant type: Deletion.
Coding change: c.314_318del on transcript NM_023036.6 (MANE Select); coding-DNA positions 314 to 318, 5 bases deleted (ACTAC; older notation c.314_318delACTAC).
Protein change: p.Asn105fs; shifts the reading frame from asparagine 105.
Molecular consequence: frameshift variant. On other transcripts: non-coding transcript variant (1).
Genome position (GRCh38, 1-based): chr17:74,285,170-74,285,174, ACTAC deleted. VCF-style (leftmost placement, unchanged base first): chr17-74285169-AACTAC-A. GRCh37 (hg19) VCF-style: chr17-72281308-AACTAC-A.
Other names: c.314_318del, p.Asn105fs (NM_001172810.3, NM_001353167.2); short protein forms N105fs.
Identifiers: ClinVar variation 2632611 (VCV002632611.4), dbSNP rs1442078154, ClinGen allele CA627590953.